The following is an entry in ClinVar:

ClinVar aggregate classification (germline): Uncertain significance (1 of 4 stars; one submission).

gnomAD v4.1: 1 of 1,601,858 alleles (0.000062%); no homozygotes.

Submission:

Labcorp Genetics (formerly Invitae), Labcorp
Classification: Uncertain significance. Last evaluated: 2024-06-13. Review status: criteria provided, single submitter. Criteria: Invitae Variant Classification Sherloc (09022015). Collection method: clinical testing. Allele origin: germline.
Comment: This sequence change replaces serine, which is neutral and polar, with threonine, which is neutral and polar, at codon 118 of the NOG protein (p.Ser118Thr). This variant is not present in population databases (gnomAD no frequency). This variant has not been reported in the literature in individuals affected with NOG-related conditions. An algorithm developed to predict the effect of missense changes on protein structure and function (PolyPhen-2) suggests that this variant is likely to be tolerated. In summary, the available evidence is currently insufficient to determine the role of this variant in disease. Therefore, it has been classified as a Variant of Uncertain Significance.

NM_005450.6(NOG):c.353G>C (p.Ser118Thr)

Gene: NOG (noggin; plus strand). Cytogenetic location: 17q22.
Variant type: single nucleotide variant.
Coding change: c.353G>C on transcript NM_005450.6 (MANE Select); coding-DNA position 353, G replaced by C.
Protein change: p.Ser118Thr; replaces serine 118 with threonine.
Molecular consequence: missense variant.
Genome position (GRCh38, 1-based): chr17:56,594,576, G>C. VCF-style: chr17-56594576-G-C. GRCh37 (hg19) VCF-style: chr17-54671937-G-C.
Other names: short protein forms S118T.
Identifiers: ClinVar variation 3669055 (VCV003669055.2).